The following is an entry in ClinVar:

NM_004174.4(SLC9A3):c.2470C>A (p.Pro824Thr)

Genes: SLC9A3 (solute carrier family 9 member A3), SLC9A3-AS1 (SLC9A3 antisense RNA 1; plus strand). Cytogenetic location: 5p15.33.
Variant type: single nucleotide variant.
Coding change: c.2470C>A on transcript NM_004174.4 (MANE Select); coding-DNA position 2470, C replaced by A.
Protein change: p.Pro824Thr; replaces proline 824 with threonine.
Molecular consequence: missense variant.
Genome position (GRCh38, 1-based): chr5:474,914, G>T on the plus strand (C>A on the coding strand, the complement: SLC9A3 is on the minus strand). VCF-style: chr5-474914-G-T. GRCh37 (hg19) VCF-style: chr5-475029-G-T.
Other names: c.2443C>A, p.Pro815Thr (NM_001284351.3); c.2470C>A (NM_004174.2); short protein forms P815T, P824T.
Identifiers: ClinVar variation 1487700 (VCV001487700.6), dbSNP rs577890614, ClinGen allele CA3175451.

ClinVar aggregate classification (germline): Uncertain significance. Review status: criteria provided, multiple submitters, no conflicts (2 of 4 stars). 2 submissions from 2 submitters: Uncertain significance (2). Last evaluated 2025-11-06.

Conditions:
Inborn genetic diseases. Identifiers: MedGen C0950123, MeSH D030342.

Allele frequency attached by ClinVar (database versions not stated): 1000 Genomes Project 0.00020; gnomAD 0.00001; ExAC 0.00002; 1000 Genomes Project 30x 0.00016; TOPMed 0.00003.
gnomAD v4.1: 3 of 1,594,462 alleles (0.00019%); highest among the groups gnomAD compares: African/African-American, 0.004%; no homozygotes.

Submissions (2):

Ambry Genetics
Classification: Uncertain significance for Inborn genetic diseases. Last evaluated: 2025-11-06. Review status: criteria provided, single submitter. Criteria: Ambry Variant Classification Scheme 2023. Collection method: clinical testing. Allele origin: germline.

Labcorp Genetics (formerly Invitae), Labcorp
Classification: Uncertain significance. Last evaluated: 2022-10-05. Review status: criteria provided, single submitter. Criteria: Invitae Variant Classification Sherloc (09022015). Collection method: clinical testing. Allele origin: germline.
Comment: This sequence change replaces proline, which is neutral and non-polar, with threonine, which is neutral and polar, at codon 824 of the SLC9A3 protein (p.Pro824Thr). This variant is not present in population databases (gnomAD no frequency). This variant has not been reported in the literature in individuals affected with SLC9A3-related conditions. ClinVar contains an entry for this variant (Variation ID: 1487700). Algorithms developed to predict the effect of missense changes on protein structure and function are either unavailable or do not agree on the potential impact of this missense change (SIFT: "Not Available"; PolyPhen-2: "Benign"; Align-GVGD: "Not Available"). In summary, the available evidence is currently insufficient to determine the role of this variant in disease. Therefore, it has been classified as a Variant of Uncertain Significance.